The following is an entry in ClinVar:

ClinVar aggregate classification (germline): Conflicting classifications of pathogenicity. Review status: criteria provided, conflicting classifications (1 of 4 stars). 6 submissions from 6 submitters: Pathogenic (1); Likely pathogenic (3); Uncertain significance (1). 1 of the submissions does not count toward it. Last evaluated 2026-04-29.

Conditions:
MCCC1-related disorder. Also called: MCCC1-related condition.
Methylcrotonyl-CoA carboxylase deficiency. Also called: 3 Methylcrotonylglycinuria; 3-MCC Deficiency; Deficiency of methylcrotonoyl-CoA carboxylase. Identifiers: Orphanet 6, MedGen C4551505, MONDO:0018950.
3-methylcrotonyl-CoA carboxylase 1 deficiency (MCC1D). Also called: MCC 1 deficiency; 3 Alpha methylcrotonylglycinuria 1; MCCD TYPE 1; METHYLCROTONYLGLYCINURIA TYPE I. Identifiers: Orphanet 6, MedGen CN028786, MONDO:0008861, OMIM 210200.

Allele frequency attached by ClinVar (database versions not stated): gnomAD 0.00001; TOPMed 0.00002.
gnomAD v4.1: 58 of 1,613,828 alleles (0.0036%); highest among the groups gnomAD compares: Middle Eastern, 0.016%; no homozygotes.

Submissions (6):

Greenwood Genetic Center Diagnostic Laboratories, Greenwood Genetic Center
Classification: Likely pathogenic for 3-methylcrotonyl-CoA carboxylase 1 deficiency. Last evaluated: 2026-04-29. Review status: criteria provided, single submitter. Criteria: ACMG Guidelines, 2015. Collection method: clinical testing. Allele origin: germline. Affected: yes.
Comment: PS3_Moderate, PM2, PM3

PreventionGenetics, part of Exact Sciences
Classification: Uncertain significance for MCCC1-related condition. Last evaluated: 2026-04-15. Review status: criteria provided, single submitter. Criteria: ACMG Guidelines, 2015. Collection method: clinical testing. Allele origin: germline.
Comment: The MCCC1 c.1261C>T variant is predicted to result in the amino acid substitution p.Arg421Trp. This variant was reported along with a second likely pathogenic variant in MCCC1 (phase unknown) in an individual with an abnormal newborn screen and follow up biochemical testing consistent with 3-methylcrotonyl-CoA carboxylase deficiency (Table S2, Navarrete et al. 2019. PubMed ID: 30626930). This variant is reported in 0.0026% of alleles in individuals of European (Non-Finnish) descent in gnomAD. At this time, the clinical significance of this variant is uncertain due to the absence of conclusive functional and genetic evidence.

Labcorp Genetics (formerly Invitae), Labcorp
Classification: Pathogenic for 3-methylcrotonyl-CoA carboxylase 1 deficiency. Last evaluated: 2026-01-09. Review status: criteria provided, single submitter. Criteria: Invitae Variant Classification Sherloc (09022015). Collection method: clinical testing. Allele origin: germline.
Comment: This sequence change replaces arginine, which is basic and polar, with tryptophan, which is neutral and slightly polar, at codon 421 of the MCCC1 protein (p.Arg421Trp). This variant is present in population databases (no rsID available, gnomAD 0.003%). This missense change has been observed in individual(s) with 3-methylcrotonyl-CoA carboxylase deficiency (PMID: 30626930; internal data). In at least one individual the data is consistent with being in trans (on the opposite chromosome) from a pathogenic variant. ClinVar contains an entry for this variant (Variation ID: 476391). Invitae Evidence Modeling of protein sequence and biophysical properties (such as structural, functional, and spatial information, amino acid conservation, physicochemical variation, residue mobility, and thermodynamic stability) indicates that this missense variant is expected to disrupt MCCC1 protein function with a positive predictive value of 80%. For these reasons, this variant has been classified as Pathogenic.

Fulgent Genetics
Classification: Likely pathogenic for 3-methylcrotonyl-CoA carboxylase 1 deficiency. Last evaluated: 2024-05-07. Review status: criteria provided, single submitter. Criteria: ACMG Guidelines, 2015. Collection method: clinical testing. Allele origin: germline.

Blueprint Genetics
Classification: Likely pathogenic for MCCC1-related disorders. Last evaluated: 2021-09-10. Review status: criteria provided, single submitter. Criteria: ACMG Guidelines, 2015. Collection method: clinical testing. Allele origin: germline. Affected: yes. Observed: 2 variant alleles.

Natera, Inc.
Classification: Uncertain significance for 3-methylcrotonylglycinuria. Last evaluated: 2020-09-16. Review status: no assertion criteria provided. Collection method: clinical testing. Allele origin: germline. Not counted in ClinVar's aggregate classification.

Literature cited by the submitters: PubMed 30626930 (cited by Labcorp Genetics (formerly Invitae), Labcorp).

NM_020166.5(MCCC1):c.1261C>T (p.Arg421Trp)

Gene: MCCC1 (methylcrotonyl-CoA carboxylase subunit 1; minus strand). Cytogenetic location: 3q27.1.
Variant type: single nucleotide variant.
Coding change: c.1261C>T on transcript NM_020166.5 (MANE Select); coding-DNA position 1261, C replaced by T.
Protein change: p.Arg421Trp; replaces arginine 421 with tryptophan.
Molecular consequence: missense variant. On other transcripts: non-coding transcript variant (2).
Genome position (GRCh38, 1-based): chr3:183,041,573, G>A on the plus strand (C>T on the coding strand, the complement: MCCC1 is on the minus strand). VCF-style: chr3-183041573-G-A. GRCh37 (hg19) VCF-style: chr3-182759361-G-A.
Other names: c.910C>T, p.Arg304Trp (NM_001293273.2); c.934C>T, p.Arg312Trp (NM_001363880.1); short protein forms R421W, R312W, R304W.
Identifiers: ClinVar variation 476391 (VCV000476391.14), dbSNP rs764744442, ClinGen allele CA355322230.